The following is an entry in ClinVar:

ClinVar aggregate classification (germline): Uncertain significance. Review status: criteria provided, multiple submitters, no conflicts (2 of 4 stars). 3 submissions from 3 submitters: Uncertain significance (3). Last evaluated 2025-01-03.

Conditions:
Inborn genetic diseases. Identifiers: MedGen C0950123, MeSH D030342.
BNAR syndrome. Also called: Bifid Nose With or Without Anorectal and Renal Anomalies (BNAR) Syndrome. Identifiers: Orphanet 217266, MedGen C2750433, MONDO:0012165, OMIM 608980.
Oculotrichoanal syndrome (MOTA). Also called: MARLES SYNDROME; Manitoba Oculotrichoanal (MOTA) Syndrome. Identifiers: Orphanet 2717, MedGen C1855425, MONDO:0009560, OMIM 248450.
Trigonocephaly 2 (TRIGNO2). Identifiers: Orphanet 3366, MedGen C3280974, MONDO:0013774, OMIM 614485.

Allele frequency attached by ClinVar (database versions not stated): gnomAD exomes 0.00005; TOPMed 0.00006; ExAC 0.00007.
gnomAD v4.1: 29 of 1,613,910 alleles (0.0018%); highest among the groups gnomAD compares: Admixed American, 0.047%; 1 homozygote.

Submissions (3):

Ambry Genetics
Classification: Uncertain significance for Inborn genetic diseases. Last evaluated: 2025-01-03. Review status: criteria provided, single submitter. Criteria: Ambry Variant Classification Scheme 2023. Collection method: clinical testing. Allele origin: germline.

Fulgent Genetics
Classification: Uncertain significance for Oculotrichoanal syndrome; BNAR syndrome; Trigonocephaly 2. Last evaluated: 2024-06-21. Review status: criteria provided, single submitter. Criteria: ACMG Guidelines, 2015. Collection method: clinical testing. Allele origin: germline.

Labcorp Genetics (formerly Invitae), Labcorp
Classification: Uncertain significance. Last evaluated: 2022-12-02. Review status: criteria provided, single submitter. Criteria: Invitae Variant Classification Sherloc (09022015). Collection method: clinical testing. Allele origin: germline.
Comment: In summary, the available evidence is currently insufficient to determine the role of this variant in disease. Therefore, it has been classified as a Variant of Uncertain Significance. Advanced modeling of protein sequence and biophysical properties (such as structural, functional, and spatial information, amino acid conservation, physicochemical variation, residue mobility, and thermodynamic stability) performed at Invitae indicates that this missense variant is not expected to disrupt FREM1 protein function. This variant has not been reported in the literature in individuals affected with FREM1-related conditions. This variant is present in population databases (rs749244243, gnomAD 0.06%). This sequence change replaces glutamic acid, which is acidic and polar, with aspartic acid, which is acidic and polar, at codon 129 of the FREM1 protein (p.Glu129Asp).

NM_001379081.2(FREM1):c.387A>T (p.Glu129Asp)

Gene: FREM1 (FRAS1 related extracellular matrix 1; minus strand). Cytogenetic location: 9p22.3.
Variant type: single nucleotide variant.
Coding change: c.387A>T on transcript NM_001379081.2 (MANE Select); coding-DNA position 387, A replaced by T.
Protein change: p.Glu129Asp; replaces glutamic acid 129 with aspartic acid.
Molecular consequence: missense variant. On other transcripts: non-coding transcript variant (4).
Genome position (GRCh38, 1-based): chr9:14,859,427, T>A on the plus strand (A>T on the coding strand, the complement: FREM1 is on the minus strand). VCF-style: chr9-14859427-T-A. GRCh37 (hg19) VCF-style: chr9-14859425-T-A.
Other names: c.387A>T, p.Glu129Asp (NM_001370060.1, NM_001370063.1, NM_001370065.1 and 1 more transcripts); c.387A>T (NM_144966.5); short protein forms E129D.
Identifiers: ClinVar variation 2076263 (VCV002076263.5), dbSNP rs749244243, ClinGen allele CA4991588.
Genomic context (GRCh38, chr9:14,859,427, plus strand): 5'-GCCATTGAATTCAGGCACCTCCAGCACATTGTTACTCATATGGATGATGTTACAGTCTGG[T>A]TCCAGGAGATAGACCCACAGGATAAAAGTTTCTATGAAGGTATCTCTTTCAGTAAATCTG-3'
Protein context (NP_001366010.1, residues 119-139): ETFILWVYLL[Glu129Asp]PDCNIIHMSN